The following is an entry in ClinVar:

NM_198525.3(KIF7):c.2010G>C (p.Glu670Asp)

Gene: KIF7 (kinesin family member 7; minus strand). Cytogenetic location: 15q26.1.
Variant type: single nucleotide variant.
Coding change: c.2010G>C on transcript NM_198525.3 (MANE Select); coding-DNA position 2010, G replaced by C.
Protein change: p.Glu670Asp; replaces glutamic acid 670 with aspartic acid.
Molecular consequence: missense variant.
Genome position (GRCh38, 1-based): chr15:89,645,364, C>G on the plus strand (G>C on the coding strand, the complement: KIF7 is on the minus strand). VCF-style: chr15-89645364-C-G. GRCh37 (hg19) VCF-style: chr15-90188595-C-G.
Other names: short protein forms E670D.
Identifiers: ClinVar variation 1348192 (VCV001348192.5), dbSNP rs781476519, ClinGen allele CA7728377.

ClinVar aggregate classification (germline): Uncertain significance (1 of 4 stars; one submission).

Conditions:
Acrocallosal syndrome (ACLS). Also called: HALLUX DUPLICATION, POSTAXIAL POLYDACTYLY, AND ABSENCE OF CORPUS CALLOSUM; Schinzel syndrome 1; Absence of corpus callosum with unusual facial appearance, mental deficiency, duplication of the halluces and polydactyly. Identifiers: Orphanet 36, MedGen C0796147, MONDO:0008708, OMIM 200990.

Allele frequency attached by ClinVar (database versions not stated): ExAC 0.00001; gnomAD exomes 0.00002.
gnomAD v4.1: 23 of 1,614,004 alleles (0.0014%); highest among the groups gnomAD compares: Middle Eastern, 0.033%; no homozygotes.

Submission:

Labcorp Genetics (formerly Invitae), Labcorp
Classification: Uncertain significance for Acrocallosal syndrome. Last evaluated: 2021-09-01. Review status: criteria provided, single submitter. Criteria: Invitae Variant Classification Sherloc (09022015). Collection method: clinical testing. Allele origin: germline.
Comment: This sequence change replaces glutamic acid with aspartic acid at codon 670 of the KIF7 protein (p.Glu670Asp). The glutamic acid residue is moderately conserved and there is a small physicochemical difference between glutamic acid and aspartic acid. This variant is present in population databases (rs781476519, ExAC 0.002%). This variant has not been reported in the literature in individuals affected with KIF7-related conditions. Algorithms developed to predict the effect of missense changes on protein structure and function output the following: SIFT: "Deleterious"; PolyPhen-2: "Benign"; Align-GVGD: "Class C0". The aspartic acid amino acid residue is found in multiple mammalian species, which suggests that this missense change does not adversely affect protein function. In summary, the available evidence is currently insufficient to determine the role of this variant in disease. Therefore, it has been classified as a Variant of Uncertain Significance.